The following is an entry in ClinVar:

ClinVar aggregate classification (germline): Uncertain significance (1 of 4 stars; one submission).

Conditions:
Charcot-Marie-Tooth disease type 4. Also called: Charcot-Marie-Tooth, Type 4; Charcot-Marie-Tooth disease, type IV. Identifiers: Orphanet 64749, MedGen C4082197, MONDO:0018995.

Allele frequency attached by ClinVar (database versions not stated): gnomAD exomes below 0.00001 and 0.00001; TOPMed below 0.00001; gnomAD 0.00001.
gnomAD v4.1: 13 of 1,607,234 alleles (0.00081%); highest among the groups gnomAD compares: Non-Finnish European, 0.00085%; no homozygotes.

Submission:

Labcorp Genetics (formerly Invitae), Labcorp
Classification: Uncertain significance for Charcot-Marie-Tooth disease type 4. Last evaluated: 2021-11-15. Review status: criteria provided, single submitter. Criteria: Invitae Variant Classification Sherloc (09022015). Collection method: clinical testing. Allele origin: germline.
Comment: In summary, the available evidence is currently insufficient to determine the role of this variant in disease. Therefore, it has been classified as a Variant of Uncertain Significance. Algorithms developed to predict the effect of missense changes on protein structure and function are either unavailable or do not agree on the potential impact of this missense change (SIFT: "Deleterious"; PolyPhen-2: "Probably Damaging"; Align-GVGD: "Class C0"). This variant has not been reported in the literature in individuals affected with SBF2-related conditions. The frequency data for this variant in the population databases is considered unreliable, as metrics indicate poor data quality at this position in the gnomAD database. This sequence change replaces proline, which is neutral and non-polar, with arginine, which is basic and polar, at codon 271 of the SBF2 protein (p.Pro271Arg).

NM_030962.4(SBF2):c.812C>G (p.Pro271Arg)

Gene: SBF2 (SET binding factor 2; minus strand). Cytogenetic location: 11p15.4.
Variant type: single nucleotide variant.
Coding change: c.812C>G on transcript NM_030962.4 (MANE Select); coding-DNA position 812, C replaced by G.
Protein change: p.Pro271Arg; replaces proline 271 with arginine.
Molecular consequence: missense variant.
Genome position (GRCh38, 1-based): chr11:10,000,963, G>C on the plus strand (C>G on the coding strand, the complement: SBF2 is on the minus strand). VCF-style: chr11-10000963-G-C. GRCh37 (hg19) VCF-style: chr11-10022510-G-C.
Other names: c.812C>G, p.Pro271Arg (NM_001386339.1, NM_001386342.1); short protein forms P271R.
Identifiers: ClinVar variation 1521310 (VCV001521310.6), dbSNP rs1223197381, ClinGen allele CA379641562.